The following is an entry in ClinVar:

NM_023067.4(FOXL2):c.295C>T (p.Gln99Ter)

Gene: FOXL2 (forkhead box L2; minus strand). Cytogenetic location: 3q22.3.
Variant type: single nucleotide variant.
Coding change: c.295C>T on transcript NM_023067.4 (MANE Select); coding-DNA position 295, C replaced by T.
Protein change: p.Gln99Ter; replaces glutamine 99 with a stop codon.
Molecular consequence: nonsense.
Genome position (GRCh38, 1-based): chr3:138,946,428, G>A on the plus strand (C>T on the coding strand, the complement: FOXL2 is on the minus strand). VCF-style: chr3-138946428-G-A. GRCh37 (hg19) VCF-style: chr3-138665270-G-A.
Other names: c.295C>T (NM_023067.3); short protein forms Q99*.
Identifiers: ClinVar variation 4864 (VCV000004864.4), dbSNP rs121908358, ClinGen allele CA210688.

ClinVar aggregate classification (germline): Pathogenic. Review status: criteria provided, single submitter (1 of 4 stars). 2 submissions from 2 submitters: Pathogenic (1). 1 of the submissions does not count toward it. Last evaluated 2024-09-26.

Conditions:
BLEPHAROPHIMOSIS, PTOSIS, AND EPICANTHUS INVERSUS, TYPE I. Also called: BPES I; Blepharophimosis syndrome type 1; BPES with ovarian failure; Blepharophimosis, ptosis, and epicanthus inversus syndrome type 1. Identifiers: MedGen C2931135.

Submissions (2):

GeneDx
Classification: Pathogenic. Last evaluated: 2024-09-26. Review status: criteria provided, single submitter. Criteria: GeneDx Variant Classification Process June 2021. Collection method: clinical testing. Allele origin: germline. Affected: yes.
Comment: Nonsense variant predicted to result in protein truncation, as the last 278 amino acids are lost, and other loss-of-function variants have been reported downstream in HGMD; Not observed at significant frequency in large population cohorts (gnomAD); Also known as c.532C>T p.(Q98*); This variant is associated with the following publications: (PMID: 12630957)

OMIM
Classification: Pathogenic for BLEPHAROPHIMOSIS, PTOSIS, AND EPICANTHUS INVERSUS, TYPE I. Last evaluated: 2008-07-01. Review status: no assertion criteria provided. Collection method: literature only. Allele origin: germline. Not counted in ClinVar's aggregate classification.

Literature cited by the submitters: PubMed 12630957 (cited by OMIM); PubMed 18372316 (cited by OMIM).